The following is an entry in ClinVar:

ClinVar aggregate classification (germline): Benign/Likely benign. Review status: criteria provided, multiple submitters, no conflicts (2 of 4 stars). 10 submissions from 10 submitters: Benign (5); Likely benign (5). Last evaluated 2026-01-05.

Conditions:
Charcot-Marie-Tooth disease dominant intermediate E. Also called: CHARCOT-MARIE-TOOTH NEUROPATHY WITH FOCAL SEGMENTAL GLOMERULONEPHRITIS. Identifiers: Orphanet 93114, MedGen C4302667, MONDO:0013758, OMIM 614455.
Focal segmental glomerulosclerosis 5 (FSGS5). Identifiers: Orphanet 656, MedGen C2750475, MONDO:0013191, OMIM 613237.
Inborn genetic diseases. Identifiers: MedGen C0950123, MeSH D030342.
INF2-related disorder. Also called: INF2-related condition.

Allele frequency attached by ClinVar (database versions not stated): ESP Exome Variant Server 0.00008; gnomAD 0.00013; gnomAD exomes 0.00015 and 0.00030; 1000 Genomes Project 30x 0.00016; TOPMed 0.00017; 1000 Genomes Project 0.00020; ExAC 0.00022.
gnomAD v4.1: 249 of 1,612,328 alleles (0.015%); highest among the groups gnomAD compares: Admixed American, 0.16%; 1 homozygote.

Submissions (10):

Labcorp Genetics (formerly Invitae), Labcorp
Classification: Benign for Charcot-Marie-Tooth disease dominant intermediate E; Focal segmental glomerulosclerosis 5. Last evaluated: 2026-01-05. Review status: criteria provided, single submitter. Criteria: Invitae Variant Classification Sherloc (09022015). Collection method: clinical testing. Allele origin: germline.

CeGaT Center for Human Genetics Tuebingen
Classification: Likely benign. Last evaluated: 2025-09-01. Review status: criteria provided, single submitter. Criteria: CeGaT Center For Human Genetics Tuebingen Variant Classification Criteria Version 2. Collection method: clinical testing. Allele origin: germline. Affected: yes. Observed: 1 variant allele.
Comment: INF2: BP4, BP7

PreventionGenetics, part of Exact Sciences
Classification: Likely benign for INF2-related condition. Last evaluated: 2025-05-14. Review status: criteria provided, single submitter. Criteria: ACMG Guidelines, 2015. Collection method: clinical testing. Allele origin: germline.
Comment: This variant is classified as likely benign based on ACMG/AMP sequence variant interpretation guidelines (Richards et al. 2015 PMID: 25741868, with internal and published modifications).

Blueprint Genetics
Classification: Likely benign. Last evaluated: 2024-11-26. Review status: criteria provided, single submitter. Criteria: ACMG Guidelines, 2015. Collection method: clinical testing. Allele origin: germline.

Fulgent Genetics
Classification: Likely benign for Focal segmental glomerulosclerosis 5; Charcot-Marie-Tooth disease dominant intermediate E. Last evaluated: 2021-09-28. Review status: criteria provided, single submitter. Criteria: ACMG Guidelines, 2015. Collection method: clinical testing. Allele origin: unknown.

GeneDx
Classification: Benign. Last evaluated: 2021-05-03. Review status: criteria provided, single submitter. Criteria: GeneDx Variant Classification Process June 2021. Collection method: clinical testing. Allele origin: germline. Affected: yes.

Athena Diagnostics
Classification: Benign. Last evaluated: 2019-12-06. Review status: criteria provided, single submitter. Criteria: Athena Diagnostics Criteria. Collection method: clinical testing. Allele origin: unknown.

Ambry Genetics
Classification: Likely benign for Inborn genetic diseases. Last evaluated: 2019-07-11. Review status: criteria provided, single submitter. Criteria: Ambry Variant Classification Scheme 2023. Collection method: clinical testing. Allele origin: germline.

Illumina Laboratory Services, Illumina
Classification: Benign for Focal segmental glomerulosclerosis 5. Last evaluated: 2018-01-13. Review status: criteria provided, single submitter. Criteria: ICSL Variant Classification Criteria 13 December 2019. Collection method: clinical testing. Allele origin: germline.
Comment: This variant was observed in the ICSL laboratory as part of a predisposition screen in an ostensibly healthy population. It had not been previously curated by ICSL or reported in the Human Gene Mutation Database (HGMD: prior to June 1st, 2018), and was therefore a candidate for classification through an automated scoring system. Utilizing variant allele frequency, disease prevalence and penetrance estimates, and inheritance mode, an automated score was calculated to assess if this variant is too frequent to cause the disease. Based on the score and internal cut-off values, a variant classified as benign is not then subjected to further curation. The score for this variant resulted in a classification of benign for this disease.

Breakthrough Genomics
Classification: Benign. Review status: criteria provided, single submitter. Criteria: ACMG Guidelines, 2015. Collection method: not provided. Allele origin: germline. Inheritance: Autosomal dominant inheritance. Affected: yes.

NM_022489.4(INF2):c.1755G>A (p.Ala585=)

Gene: INF2 (inverted formin 2; plus strand). Cytogenetic location: 14q32.33.
Variant type: single nucleotide variant.
Coding change: c.1755G>A on transcript NM_022489.4 (MANE Select); coding-DNA position 1755, G replaced by A.
Protein change: p.Ala585=; no amino-acid change (alanine 585 retained).
Molecular consequence: synonymous variant.
Genome position (GRCh38, 1-based): chr14:104,708,455, G>A. VCF-style: chr14-104708455-G-A. GRCh37 (hg19) VCF-style: chr14-105174792-G-A.
Other names: c.1755G>A, p.Ala585= (NM_001031714.4).
Identifiers: ClinVar variation 312692 (VCV000312692.32), dbSNP rs375573206, ClinGen allele CA7372663.